The following is an entry in ClinVar:

NM_017841.4(SDHAF2):c.248G>T (p.Cys83Phe)

Gene: SDHAF2 (succinate dehydrogenase complex assembly factor 2; plus strand). Cytogenetic location: 11q12.2.
Variant type: single nucleotide variant.
Coding change: c.248G>T on transcript NM_017841.4 (MANE Select); coding-DNA position 248, G replaced by T.
Protein change: p.Cys83Phe; replaces cysteine 83 with phenylalanine.
Molecular consequence: missense variant.
Genome position (GRCh38, 1-based): chr11:61,437,836, G>T. VCF-style: chr11-61437836-G-T. GRCh37 (hg19) VCF-style: chr11-61205308-G-T.
Other names: short protein forms C83F.
Identifiers: ClinVar variation 463819 (VCV000463819.16), dbSNP rs982336783, ClinGen allele CA222877377.
Genomic context (GRCh38, chr11:61,437,836, plus strand): 5'-TAGAAACCAAAAGAGCCCGCCTGCTCTATGAGAGCAGAAAGAGGGGAATGTTGGAAAACT[G>T]CATTCTTCTTAGGTATGGGACTAGGAGTCTTTTTTTTTAAATCGGGCAGCTTCCTGAGCC-3'
Protein context (NP_060311.1, residues 73-93): ESRKRGMLEN[Cys83Phe]ILLSLFAKEH

ClinVar aggregate classification (germline): Uncertain significance. Review status: criteria provided, multiple submitters, no conflicts (2 of 4 stars). 2 submissions from 2 submitters: Uncertain significance (2). Last evaluated 2024-04-27.

Conditions:
Hereditary cancer-predisposing syndrome. Also called: Neoplastic Syndromes, Hereditary; Hereditary neoplastic syndrome; Tumor predisposition; Hereditary Cancer Syndrome. Identifiers: Orphanet 140162, MedGen C0027672, MeSH D009386, MONDO:0015356.
Hereditary pheochromocytoma and paraganglioma. Also called: Hereditary Paraganglioma-Pheochromocytoma Syndromes; Hereditary paragangliomas and pheochromocytomas; Hereditary pheochromocytoma-paraganglioma. Identifiers: Orphanet 29072, MedGen C4274332, MONDO:0017366.

Allele frequency attached by ClinVar (database versions not stated): TOPMed 0.00002; gnomAD 0.00003.
gnomAD v4.1: 6 of 1,613,450 alleles (0.00037%); highest among the groups gnomAD compares: African/African-American, 0.008%; no homozygotes.

Submissions (2):

Ambry Genetics
Classification: Uncertain significance for Hereditary cancer-predisposing syndrome. Last evaluated: 2024-04-27. Review status: criteria provided, single submitter. Criteria: Ambry Variant Classification Scheme 2023. Collection method: clinical testing. Allele origin: germline.
Comment: The p.C83F variant (also known as c.248G>T), located in coding exon 2 of the SDHAF2 gene, results from a G to T substitution at nucleotide position 248. The cysteine at codon 83 is replaced by phenylalanine, an amino acid with highly dissimilar properties. This amino acid position is highly conserved in available vertebrate species. In addition, this alteration is predicted to be deleterious by in silico analysis. Since supporting evidence is limited at this time, the clinical significance of this alteration remains unclear.

Labcorp Genetics (formerly Invitae), Labcorp
Classification: Uncertain significance for Hereditary pheochromocytoma and paraganglioma. Last evaluated: 2023-11-21. Review status: criteria provided, single submitter. Criteria: Invitae Variant Classification Sherloc (09022015). Collection method: clinical testing. Allele origin: germline.
Comment: This sequence change replaces cysteine, which is neutral and slightly polar, with phenylalanine, which is neutral and non-polar, at codon 83 of the SDHAF2 protein (p.Cys83Phe). This variant is present in population databases (no rsID available, gnomAD 0.004%). This variant has not been reported in the literature in individuals affected with SDHAF2-related conditions. ClinVar contains an entry for this variant (Variation ID: 463819). An algorithm developed to predict the effect of missense changes on protein structure and function (PolyPhen-2) suggests that this variant is likely to be disruptive. In summary, the available evidence is currently insufficient to determine the role of this variant in disease. Therefore, it has been classified as a Variant of Uncertain Significance.